The following is an entry in ClinVar:

ClinVar aggregate classification (germline): Pathogenic (1 of 4 stars; one submission).

Conditions:
Early-infantile DEE. Also called: Early infantile epileptic encephalopathy; Early infantile epileptic encephalopathy with suppression bursts; Ohtahara syndrome. Identifiers: Orphanet 1934, MedGen C0393706, MONDO:0800491.

Submission:

Labcorp Genetics (formerly Invitae), Labcorp
Classification: Pathogenic for Early-infantile DEE. Last evaluated: 2024-06-13. Review status: criteria provided, single submitter. Criteria: Invitae Variant Classification Sherloc (09022015). Collection method: clinical testing. Allele origin: germline.
Comment: This sequence change affects an acceptor splice site in intron 10 of the SCN1A gene. It is expected to disrupt RNA splicing. Variants that disrupt the donor or acceptor splice site typically lead to a loss of protein function (PMID: 16199547), and loss-of-function variants in SCN1A are known to be pathogenic (PMID: 17347258, 18930999). This variant is not present in population databases (gnomAD no frequency). Disruption of this splice site has been observed in individual(s) with severe myoclonic epilepsy of infancy (PMID: 17347258, 31864146). In at least one individual the variant was observed to be de novo. Algorithms developed to predict the effect of sequence changes on RNA splicing suggest that this variant may disrupt the consensus splice site. For these reasons, this variant has been classified as Pathogenic.

Literature cited by the submitters: PubMed 16199547; PubMed 17347258; PubMed 18930999; PubMed 31864146.

NM_001165963.4(SCN1A):c.1663-1G>A

Gene: SCN1A (sodium voltage-gated channel alpha subunit 1; minus strand). Cytogenetic location: 2q24.3.
Variant type: single nucleotide variant.
Coding change: c.1663-1G>A on transcript NM_001165963.4 (MANE Select); the canonical splice acceptor site of the intron before coding-DNA position 1663, G replaced by A.
Molecular consequence: splice acceptor variant.
Genome position (GRCh38, 1-based): chr2:166,044,050, C>T on the plus strand (G>A on the coding strand, the complement: SCN1A is on the minus strand). VCF-style: chr2-166044050-C-T. GRCh37 (hg19) VCF-style: chr2-166900560-C-T.
Other names: c.1663-1G>A (NM_001353949.2, NM_001353958.2, NM_001353950.2 and 7 more transcripts); c.1660-1G>A (NM_001353955.2, NM_001353960.2, NM_001353954.2); c.-763-1G>A (NM_001353961.2).
Identifiers: ClinVar variation 2807757 (VCV002807757.3), dbSNP rs2468156577, ClinGen allele CA349068145.